The following is an entry in ClinVar:

ClinVar aggregate classification (germline): Conflicting classifications of pathogenicity. Review status: criteria provided, conflicting classifications (1 of 4 stars). 2 submissions from 2 submitters: Likely pathogenic (1); Uncertain significance (1). Last evaluated 2020-02-08.

Conditions:
Pheochromocytoma/paraganglioma syndrome 5. Also called: Paragangliomas 5; SDHA-Related Hereditary Paraganglioma-Pheochromocytoma Syndrome. Identifiers: Orphanet 29072, MedGen C3279992, MONDO:0013602, OMIM 614165.

Submissions (2):

Centre of Medical Genetics, University Hospital Muenster
Classification: Likely pathogenic for Pheochromocytoma/paraganglioma syndrome 5. Last evaluated: 2020-02-08. Review status: criteria provided, single submitter. Criteria: ACMG Guidelines, 2015. Collection method: clinical testing. Allele origin: germline. Affected: yes. Observed: 1 variant allele, 1 heterozygote.
Comment: ACMG categories: PS5,PM1,PM2,BP1

CeGaT Center for Human Genetics Tuebingen
Classification: Uncertain significance. Last evaluated: 2017-05-01. Review status: criteria provided, single submitter. Criteria: CeGaT Center For Human Genetics Tuebingen Variant Classification Criteria Version 2. Collection method: clinical testing. Allele origin: germline. Affected: yes. Observed: 1 variant allele.

NM_004168.4(SDHA):c.1015T>C (p.Ser339Pro)

Gene: SDHA (succinate dehydrogenase complex flavoprotein subunit A; plus strand). Cytogenetic location: 5p15.33.
Variant type: single nucleotide variant.
Coding change: c.1015T>C on transcript NM_004168.4 (MANE Select); coding-DNA position 1015, T replaced by C.
Protein change: p.Ser339Pro; replaces serine 339 with proline.
Molecular consequence: missense variant.
Genome position (GRCh38, 1-based): chr5:233,596, T>C. VCF-style: chr5-233596-T-C. GRCh37 (hg19) VCF-style: chr5-233711-T-C.
Other names: c.871T>C, p.Ser291Pro (NM_001294332.2); c.1015T>C, p.Ser339Pro (NM_001330758.2); short protein forms S339P, S291P.
Identifiers: ClinVar variation 444647 (VCV000444647.44), dbSNP rs1553999041, ClinGen allele CA359012871.